The following is an entry in ClinVar:

NM_000891.3(KCNJ2):c.179A>G (p.Asn60Ser)

Gene: KCNJ2 (potassium inwardly rectifying channel subfamily J member 2; plus strand). Cytogenetic location: 17q24.3.
Variant type: single nucleotide variant.
Coding change: c.179A>G on transcript NM_000891.3 (MANE Select); coding-DNA position 179, A replaced by G.
Protein change: p.Asn60Ser; replaces asparagine 60 with serine.
Molecular consequence: missense variant.
Genome position (GRCh38, 1-based): chr17:70,175,218, A>G. VCF-style: chr17-70175218-A-G. GRCh37 (hg19) VCF-style: chr17-68171359-A-G.
Other names: short protein forms N60S.
Identifiers: ClinVar variation 1420341 (VCV001420341.7), dbSNP rs1484750176, ClinGen allele CA400860046.

ClinVar aggregate classification (germline): Uncertain significance. Review status: criteria provided, multiple submitters, no conflicts (2 of 4 stars). 2 submissions from 2 submitters: Uncertain significance (2). Last evaluated 2025-08-27.

Conditions:
Short QT syndrome type 3. Identifiers: Orphanet 51083, MedGen C1865018, MONDO:0012314, OMIM 609622.
Andersen Tawil syndrome (LQT7). Also called: Andersen Syndrome; LONG QT SYNDROME 7; ANDERSEN CARDIODYSRHYTHMIC PERIODIC PARALYSIS; Potassium-sensitive periodic paralysis, ventricular ectopy, and dysmorphic features; PERIODIC PARALYSIS, POTASSIUM-SENSITIVE CARDIODYSRHYTHMIC TYPE. Identifiers: Orphanet 37553, MedGen C1563715, MONDO:0008222, OMIM 170390.

Allele frequency attached by ClinVar (database versions not stated): gnomAD 0.00001; TOPMed 0.00001.

Submissions (2):

Labcorp Genetics (formerly Invitae), Labcorp
Classification: Uncertain significance for Short QT syndrome type 3; Andersen Tawil syndrome. Last evaluated: 2025-08-27. Review status: criteria provided, single submitter. Criteria: Invitae Variant Classification Sherloc (09022015). Collection method: clinical testing. Allele origin: germline.
Comment: This sequence change replaces asparagine, which is neutral and polar, with serine, which is neutral and polar, at codon 60 of the KCNJ2 protein (p.Asn60Ser). This variant is not present in population databases (gnomAD no frequency). This variant has not been reported in the literature in individuals affected with KCNJ2-related conditions. ClinVar contains an entry for this variant (Variation ID: 1420341). Invitae Evidence Modeling of protein sequence and biophysical properties (such as structural, functional, and spatial information, amino acid conservation, physicochemical variation, residue mobility, and thermodynamic stability) has been performed for this missense variant. However, the output from this modeling did not meet the statistical confidence thresholds required to predict the impact of this variant on KCNJ2 protein function. In summary, the available evidence is currently insufficient to determine the role of this variant in disease. Therefore, it has been classified as a Variant of Uncertain Significance.

AiLife Diagnostics
Classification: Uncertain significance. Last evaluated: 2022-01-10. Review status: criteria provided, single submitter. Criteria: ACMG Guidelines, 2015. Collection method: clinical testing. Allele origin: germline. Affected: yes. Observed: 1 variant allele.